The following is an entry in ClinVar:

NC_000009.12:g.70810059G>A

Genes: MIR204 (microRNA 204; minus strand), TRPM3 (transient receptor potential cation channel subfamily M member 3; minus strand). Cytogenetic location: 9q21.12.
Variant type: single nucleotide variant.
Molecular consequence: intron variant (on NM_001366145.2). On other transcripts: non-coding transcript variant (1).
Genome position: GRCh38 VCF-style: chr9-70810059-G-A. GRCh37 (hg19) VCF-style: chr9-73424975-G-A.
Other names: c.979+17788C>T (NM_001366143.2, NM_001366141.2, NM_001366142.2 and 1 more transcripts); c.973+17788C>T (NM_001366150.2, NM_001366151.2, NM_001007471.4 and 4 more transcripts); c.1048+1111C>T (NM_001366148.2, NM_001366152.2, NM_001366147.2); c.514+17788C>T (NM_206944.5, NM_020952.6, NM_206945.5 and 3 more transcripts); c.589+1111C>T (NM_206947.5, NM_206946.5, NM_001007470.3).
Identifiers: ClinVar variation 1958536 (VCV001958536.5), dbSNP rs376176046, ClinGen allele CA5078776.

ClinVar aggregate classification (germline): Uncertain significance (1 of 4 stars; one submission).

Allele frequency attached by ClinVar (database versions not stated): gnomAD 0.00001; gnomAD exomes 0.00001; ExAC 0.00002; TOPMed 0.00002; ESP Exome Variant Server 0.00010.
gnomAD v4.1: 6 of 534,446 alleles (0.0011%); highest among the groups gnomAD compares: South Asian, 0.0028%; no homozygotes.

Submission:

Labcorp Genetics (formerly Invitae), Labcorp
Classification: Uncertain significance. Last evaluated: 2023-06-30. Review status: criteria provided, single submitter. Criteria: Invitae Variant Classification Sherloc (09022015). Collection method: clinical testing. Allele origin: germline.
Comment: In summary, the available evidence is currently insufficient to determine the role of this variant in disease. Therefore, it has been classified as a Variant of Uncertain Significance. Experimental studies and prediction algorithms are not available or were not evaluated, and the functional significance of this variant is currently unknown. ClinVar contains an entry for this variant (Variation ID: 1958536). This variant has not been reported in the literature in individuals affected with MIR204-related conditions. This variant is present in population databases (rs376176046, gnomAD 0.002%). This variant occurs in the MIR204 gene, which encodes an RNA molecule that does not result in a protein product.